The following is an entry in ClinVar:

NM_001376.5(DYNC1H1):c.598A>G (p.Ile200Val)

Gene: DYNC1H1 (dynein cytoplasmic 1 heavy chain 1; plus strand). Cytogenetic location: 14q32.31.
Variant type: single nucleotide variant.
Coding change: c.598A>G on transcript NM_001376.5 (MANE Select); coding-DNA position 598, A replaced by G.
Protein change: p.Ile200Val; replaces isoleucine 200 with valine.
Molecular consequence: missense variant.
Genome position (GRCh38, 1-based): chr14:101,979,798, A>G. VCF-style: chr14-101979798-A-G. GRCh37 (hg19) VCF-style: chr14-102446135-A-G.
Other names: short protein forms I200V.
Identifiers: ClinVar variation 581062 (VCV000581062.9), dbSNP rs1566996430, ClinGen allele CA391008311.

ClinVar aggregate classification (germline): Uncertain significance. Review status: criteria provided, multiple submitters, no conflicts (2 of 4 stars). 2 submissions from 2 submitters: Uncertain significance (2). Last evaluated 2026-09-01.

Conditions:
Charcot-Marie-Tooth disease axonal type 2O. Also called: CHARCOT-MARIE-TOOTH NEUROPATHY, AXONAL, TYPE 2O; CHARCOT-MARIE-TOOTH DISEASE, AXONAL, AUTOSOMAL DOMINANT, TYPE 2O; Charcot-Marie-Tooth disease, axonal, type 20; Charcot-Marie-Tooth Neuropathy Type 2O. Identifiers: Orphanet 284232, MedGen C3280220, MONDO:0013644, OMIM 614228.
Inborn genetic diseases. Identifiers: MedGen C0950123, MeSH D030342.

Submissions (2):

Ambry Genetics
Classification: Uncertain significance for Inborn genetic diseases. Last evaluated: 2026-09-01. Review status: criteria provided, single submitter. Criteria: Ambry Variant Classification Scheme 2023. Collection method: clinical testing. Allele origin: germline.

Labcorp Genetics (formerly Invitae), Labcorp
Classification: Uncertain significance for Charcot-Marie-Tooth disease axonal type 2O. Last evaluated: 2025-07-23. Review status: criteria provided, single submitter. Criteria: Invitae Variant Classification Sherloc (09022015). Collection method: clinical testing. Allele origin: germline.
Comment: This sequence change replaces isoleucine, which is neutral and non-polar, with valine, which is neutral and non-polar, at codon 200 of the DYNC1H1 protein (p.Ile200Val). This variant is not present in population databases (gnomAD no frequency). This variant has not been reported in the literature in individuals affected with DYNC1H1-related conditions. ClinVar contains an entry for this variant (Variation ID: 581062). Invitae Evidence Modeling of protein sequence and biophysical properties (such as structural, functional, and spatial information, amino acid conservation, physicochemical variation, residue mobility, and thermodynamic stability) indicates that this missense variant is not expected to disrupt DYNC1H1 protein function with a negative predictive value of 95%. In summary, the available evidence is currently insufficient to determine the role of this variant in disease. Therefore, it has been classified as a Variant of Uncertain Significance.